The following is an entry in ClinVar:

ClinVar aggregate classification (germline): Likely benign (1 of 4 stars; one submission).

Allele frequency attached by ClinVar (database versions not stated): ESP Exome Variant Server 0.00008; ExAC 0.00015; gnomAD exomes 0.00015; 1000 Genomes Project 30x 0.00016; gnomAD 0.00016; 1000 Genomes Project 0.00020; TOPMed 0.00023.
gnomAD v4.1: 269 of 1,613,746 alleles (0.017%); highest among the groups gnomAD compares: Middle Eastern, 0.067%; no homozygotes.

Submission:

CeGaT Center for Human Genetics Tuebingen
Classification: Likely benign. Last evaluated: 2022-11-01. Review status: criteria provided, single submitter. Criteria: CeGaT Center For Human Genetics Tuebingen Variant Classification Criteria Version 2. Collection method: clinical testing. Allele origin: germline. Affected: yes. Observed: 1 variant allele.
Comment: CSMD1: BP4, BP7

NM_033225.6(CSMD1):c.3975G>A (p.Thr1325=)

Gene: CSMD1 (CUB and Sushi multiple domains 1; minus strand). Cytogenetic location: 8p23.2.
Variant type: single nucleotide variant.
Coding change: c.3975G>A on transcript NM_033225.6 (MANE Select); coding-DNA position 3975, G replaced by A.
Protein change: p.Thr1325=; no amino-acid change (threonine 1325 retained).
Molecular consequence: synonymous variant.
Genome position (GRCh38, 1-based): chr8:3,284,322, C>T on the plus strand (G>A on the coding strand, the complement: CSMD1 is on the minus strand). VCF-style: chr8-3284322-C-T. GRCh37 (hg19) VCF-style: chr8-3141844-C-T.
Identifiers: ClinVar variation 2658337 (VCV002658337.24), dbSNP rs377759075, ClinGen allele CA4607519.